The following is an entry in ClinVar:

ClinVar aggregate classification (germline): Uncertain significance. Review status: criteria provided, multiple submitters, no conflicts (2 of 4 stars). 2 submissions from 2 submitters: Uncertain significance (2). Last evaluated 2025-04-16.

Conditions:
Developmental delay, hypotonia, musculoskeletal defects, and behavioral abnormalities. Identifiers: MedGen C5562012, MONDO:0859202, OMIM 619595.
Floating-Harbor syndrome (FLHS). Also called: Short stature with delayed bone age, expressive language delay, a triangular face with a prominent nose and deep-set eyes; Pelletier-Leisti syndrome; SRCAP-Related Floating-Harbor Syndrome. Identifiers: Orphanet 2044, MedGen C0729582, MONDO:0007621, OMIM 136140.

Allele frequency attached by ClinVar (database versions not stated): gnomAD exomes 0.00001.

Submissions (2):

Labcorp Genetics (formerly Invitae), Labcorp
Classification: Uncertain significance. Last evaluated: 2025-04-16. Review status: criteria provided, single submitter. Criteria: Invitae Variant Classification Sherloc (09022015). Collection method: clinical testing. Allele origin: germline.
Comment: This sequence change replaces arginine, which is basic and polar, with histidine, which is basic and polar, at codon 801 of the SRCAP protein (p.Arg801His). This variant is present in population databases (no rsID available, gnomAD 0.0009%). This variant has not been reported in the literature in individuals affected with SRCAP-related conditions. ClinVar contains an entry for this variant (Variation ID: 1355600). Invitae Evidence Modeling of protein sequence and biophysical properties (such as structural, functional, and spatial information, amino acid conservation, physicochemical variation, residue mobility, and thermodynamic stability) has been performed for this missense variant. However, the output from this modeling did not meet the statistical confidence thresholds required to predict the impact of this variant on SRCAP protein function. In summary, the available evidence is currently insufficient to determine the role of this variant in disease. Therefore, it has been classified as a Variant of Uncertain Significance.

Fulgent Genetics
Classification: Uncertain significance for Floating-Harbor syndrome; Developmental delay, hypotonia, musculoskeletal defects, and behavioral abnormalities. Last evaluated: 2021-12-03. Review status: criteria provided, single submitter. Criteria: ACMG Guidelines, 2015. Collection method: clinical testing. Allele origin: unknown.

NM_006662.3(SRCAP):c.2402G>A (p.Arg801His)

Gene: SRCAP (Snf2 related CREBBP activator protein; plus strand). Cytogenetic location: 16p11.2.
Variant type: single nucleotide variant.
Coding change: c.2402G>A on transcript NM_006662.3 (MANE Select); coding-DNA position 2402, G replaced by A.
Protein change: p.Arg801His; replaces arginine 801 with histidine.
Molecular consequence: missense variant.
Genome position (GRCh38, 1-based): chr16:30,713,620, G>A. VCF-style: chr16-30713620-G-A. GRCh37 (hg19) VCF-style: chr16-30724941-G-A.
Other names: short protein forms R801H.
Identifiers: ClinVar variation 1355600 (VCV001355600.9), dbSNP rs1368368027, ClinGen allele CA395609519.